The following is an entry in ClinVar:

ClinVar aggregate classification (germline): Conflicting classifications of pathogenicity. Review status: criteria provided, conflicting classifications (1 of 4 stars). 17 submissions from 17 submitters: Uncertain significance (2); Benign (2); Likely benign (10). 3 of the submissions do not count toward it. Last evaluated 2026-01-30.

Conditions:
Heterotopia, periventricular, X-linked dominant (PVNH1). Also called: PERIVENTRICULAR NODULAR HETEROTOPIA 1; X-linked periventricular heterotopia; PERIVENTRICULAR NODULAR HETEROTOPIA 4; HETEROTOPIA, PERIVENTRICULAR, 1. Identifiers: Orphanet 2149, Orphanet 82004, MedGen C1848213, MONDO:0010233, OMIM 300049.
Melnick-Needles syndrome (MNS). Also called: MELNICK-NEEDLES OSTEODYSPLASTY; OSTEODYSPLASTY OF MELNICK AND NEEDLES; Melnick-Needles Syndrome (FLNA-MNS). Identifiers: Orphanet 2484, MedGen C0025237, MONDO:0010650, OMIM 309350.
Frontometaphyseal dysplasia (FMD1). Identifiers: Orphanet 1826, MedGen C0265293, MONDO:0015942.
Oto-palato-digital syndrome, type II (OPD2). Also called: FACIOPALATOOSSEOUS SYNDROME; OPD II SYNDROME; Otopalatodigital Syndrome, Type II; Otopalatodigital Syndrome Type 2 (FLNA-OPD2). Identifiers: Orphanet 669, Orphanet 90652, MedGen C1844696, MONDO:0010571, OMIM 304120.
Connective tissue disorder. Also called: Connective tissue disease. Identifiers: MedGen C0009782, MONDO:0003900.
FLNA-related disorder.
Familial thoracic aortic aneurysm and aortic dissection (TAAD). Also called: Thoracic aortic aneurysms and dissections. Identifiers: Orphanet 91387, MedGen C4707243, MONDO:0019625.

Allele frequency attached by ClinVar (database versions not stated): TOPMed 0.00035; ExAC 0.00043; gnomAD 0.00043 and 0.00046; gnomAD exomes 0.00044 and 0.00064; ESP Exome Variant Server 0.00080.
gnomAD v4.1: 749 of 1,210,363 alleles (0.062%); highest among the groups gnomAD compares: Non-Finnish European, 0.076%; no homozygotes.

Submissions (17):

Labcorp Genetics (formerly Invitae), Labcorp
Classification: Benign for Oto-palato-digital syndrome, type II; Heterotopia, periventricular, X-linked dominant; Frontometaphyseal dysplasia; Melnick-Needles syndrome. Last evaluated: 2026-01-30. Review status: criteria provided, single submitter. Criteria: Invitae Variant Classification Sherloc (09022015). Collection method: clinical testing. Allele origin: germline.

ARUP Laboratories, Molecular Genetics and Genomics, ARUP Laboratories
Classification: Likely benign. Last evaluated: 2025-03-05. Review status: criteria provided, single submitter. Criteria: ARUP Molecular Germline Variant Investigation Process 2024. Collection method: clinical testing. Allele origin: germline.

Mayo Clinic Laboratories, Mayo Clinic
Classification: Likely benign. Last evaluated: 2024-10-22. Review status: criteria provided, single submitter. Criteria: ACMG Guidelines, 2015. Collection method: clinical testing. Allele origin: germline. Observed: 4 variant alleles.
Comment: BS2, PP2

Blueprint Genetics
Classification: Likely benign. Last evaluated: 2024-10-16. Review status: criteria provided, single submitter. Criteria: ACMG Guidelines, 2015. Collection method: clinical testing. Allele origin: germline.

Women's Health and Genetics/Laboratory Corporation of America, LabCorp
Classification: Likely benign. Last evaluated: 2024-04-14. Review status: criteria provided, single submitter. Criteria: LabCorp Variant Classification Summary - May 2015. Collection method: clinical testing. Allele origin: germline.

Centre of Medical Genetics, University Hospital Muenster
Classification: Uncertain significance. Last evaluated: 2021-12-09. Review status: criteria provided, single submitter. Criteria: ACMG Guidelines, 2015. Collection method: clinical testing. Allele origin: unknown. Affected: yes. Observed: 1 variant allele, 1 heterozygote.
Comment: ACMG categories: PM1,PP3

Johns Hopkins Genomics, Johns Hopkins University
Classification: Likely benign. Last evaluated: 2020-12-02. Review status: criteria provided, single submitter. Criteria: ACMG Guidelines, 2015. Collection method: clinical testing. Allele origin: germline.

GeneDx
Classification: Likely benign. Last evaluated: 2020-10-07. Review status: criteria provided, single submitter. Criteria: GeneDx Variant Classification Process June 2021. Collection method: clinical testing. Allele origin: germline. Affected: yes.

CeGaT Center for Human Genetics Tuebingen
Classification: Likely benign. Last evaluated: 2018-12-01. Review status: criteria provided, single submitter. Criteria: CeGaT Center For Human Genetics Tuebingen Variant Classification Criteria Version 2. Collection method: clinical testing. Allele origin: germline. Affected: yes. Observed: 2 variant alleles.

Ambry Genetics
Classification: Benign for Familial thoracic aortic aneurysm and aortic dissection. Last evaluated: 2018-04-12. Review status: criteria provided, single submitter. Criteria: Ambry Variant Classification Scheme 2023. Collection method: clinical testing. Allele origin: germline.

Eurofins Ntd Llc (ga)
Classification: Likely benign. Last evaluated: 2017-08-22. Review status: criteria provided, single submitter. Criteria: EGL Classification Definitions 2015. Collection method: clinical testing. Allele origin: germline. Observed: 1 variant allele, 1 heterozygote.

Center for Human Genetics, Inc
Classification: Likely benign for Connective tissue disorder. Last evaluated: 2016-11-01. Review status: criteria provided, single submitter. Criteria: ACMG Guidelines, 2015. Collection method: clinical testing. Allele origin: germline. Affected: yes.

Center for Pediatric Genomic Medicine, Children's Mercy Hospital and Clinics
Classification: Likely benign. Last evaluated: 2016-09-01. Review status: criteria provided, single submitter. Criteria: ACMG Guidelines, 2015. Collection method: clinical testing. Allele origin: germline.
ClinVar note: Converted during submission from Likely Benign to Likely benign.

Genetic Services Laboratory, University of Chicago
Classification: Uncertain significance. Last evaluated: 2013-03-04. Review status: criteria provided, single submitter. Criteria: ACMG Guidelines, 2007. Collection method: clinical testing. Allele origin: germline. Inheritance: X-linked inheritance.

PreventionGenetics, part of Exact Sciences
Classification: Likely benign for FLNA-related condition. Last evaluated: 2021-04-22. Review status: no assertion criteria provided. Collection method: clinical testing. Allele origin: germline. Not counted in ClinVar's aggregate classification.
Comment: This variant is classified as likely benign based on ACMG/AMP sequence variant interpretation guidelines (Richards et al. 2015 PMID: 25741868, with internal and published modifications).

Clinical Genetics DNA and cytogenetics Diagnostics Lab, Erasmus MC, Erasmus Medical Center
Classification: Likely benign. Review status: no assertion criteria provided. Collection method: clinical testing. Allele origin: germline. Affected: yes. Study: VKGL Data-share Consensus. Not counted in ClinVar's aggregate classification.

Genome Diagnostics Laboratory, University Medical Center Utrecht
Classification: Likely benign. Review status: no assertion criteria provided. Collection method: clinical testing. Allele origin: germline. Affected: yes. Study: VKGL Data-share Consensus. Not counted in ClinVar's aggregate classification.

NM_001110556.2(FLNA):c.1579C>T (p.Arg527Cys)

Gene: FLNA (filamin A; minus strand). Cytogenetic location: Xq28.
Variant type: single nucleotide variant.
Coding change: c.1579C>T on transcript NM_001110556.2 (MANE Select); coding-DNA position 1579, C replaced by T.
Protein change: p.Arg527Cys; replaces arginine 527 with cysteine.
Molecular consequence: missense variant.
Genome position (GRCh38, 1-based): chrX:154,365,248, G>A on the plus strand (C>T on the coding strand, the complement: FLNA is on the minus strand). VCF-style: chrX-154365248-G-A. GRCh37 (hg19) VCF-style: chrX-153593616-G-A.
Other names: p.R527C:CGC>TGC; c.1579C>T, p.Arg527Cys (NM_001456.4); short protein forms R527C.
Identifiers: ClinVar variation 129060 (VCV000129060.81), dbSNP rs202029322, ClinGen allele CA231097.